The following is an entry in ClinVar:

NM_017433.5(MYO3A):c.4399_4409del (p.Pro1467fs)

Gene: MYO3A (myosin IIIA; plus strand). Cytogenetic location: 10p12.1.
Variant type: Deletion.
Coding change: c.4399_4409del on transcript NM_017433.5 (MANE Select); coding-DNA positions 4399 to 4409, 11 bases deleted (CCAATTAATAG).
Protein change: p.Pro1467fs; shifts the reading frame from proline 1467.
Molecular consequence: frameshift variant.
Genome position (GRCh38, 1-based): chr10:26,176,806-26,176,816, CCAATTAATAG deleted; deleting any 11 consecutive bases within chr10:26,176,804-26,176,816 gives the same sequence; the c. name uses the placement nearest the transcript's 3' end. VCF-style (leftmost placement, unchanged base first): chr10-26176803-AAGCCAATTAAT-A. GRCh37 (hg19) VCF-style: chr10-26465732-AAGCCAATTAAT-A.
Other names: short protein forms P1467fs.
Identifiers: ClinVar variation 2633638 (VCV002633638.2), dbSNP rs1272227420, ClinGen allele CA592365047.

ClinVar aggregate classification (germline): Likely pathogenic (1 of 4 stars; one submission).

Conditions:
MYO3A-related disorder. Also called: MYO3A-related condition.

Submission:

PreventionGenetics, part of Exact Sciences
Classification: Likely pathogenic for MYO3A-related condition. Last evaluated: 2026-07-15. Review status: criteria provided, single submitter. Criteria: ACMG Guidelines, 2015. Collection method: clinical testing. Allele origin: germline.
Comment: The MYO3A c.4399_4409del11 variant is predicted to result in a frameshift and premature protein termination (p.Pro1467Thrfs*13). To our knowledge, this variant has not been reported in the literature. This variant is present in 0.0065% of alleles in individuals of European (Non-Finnish) descent in gnomAD. Frameshift variants in MYO3A are an established mechanism of autosomal recessive disease. This variant is interpreted as likely pathogenic.